The following is an entry in ClinVar:

NM_015178.3(RHOBTB2):c.955C>T (p.His319Tyr)

Gene: RHOBTB2 (Rho related BTB domain containing 2; plus strand). Cytogenetic location: 8p21.3.
Variant type: single nucleotide variant.
Coding change: c.955C>T on transcript NM_015178.3 (MANE Select); coding-DNA position 955, C replaced by T.
Protein change: p.His319Tyr; replaces histidine 319 with tyrosine.
Molecular consequence: missense variant.
Genome position (GRCh38, 1-based): chr8:23,007,200, C>T. VCF-style: chr8-23007200-C-T. GRCh37 (hg19) VCF-style: chr8-22864713-C-T.
Other names: c.1021C>T, p.His341Tyr (NM_001160036.2); c.976C>T, p.His326Tyr (NM_001160037.2); c.955C>T, p.His319Tyr (NM_001374791.1); short protein forms H319Y, H326Y, H341Y.
Identifiers: ClinVar variation 1470982 (VCV001470982.6), dbSNP rs1810989501, ClinGen allele CA370566751.

ClinVar aggregate classification (germline): Uncertain significance (1 of 4 stars; one submission).

Allele frequency attached by ClinVar (database versions not stated): TOPMed below 0.00001; gnomAD 0.00001.
gnomAD v4.1: 1 of 1,604,880 alleles (0.000062%); highest among the groups gnomAD compares: Admixed American, 0.0017%; no homozygotes.

Submission:

Labcorp Genetics (formerly Invitae), Labcorp
Classification: Uncertain significance. Last evaluated: 2023-05-30. Review status: criteria provided, single submitter. Criteria: Invitae Variant Classification Sherloc (09022015). Collection method: clinical testing. Allele origin: germline.
Comment: This sequence change replaces histidine, which is basic and polar, with tyrosine, which is neutral and polar, at codon 341 of the RHOBTB2 protein (p.His341Tyr). In summary, the available evidence is currently insufficient to determine the role of this variant in disease. Therefore, it has been classified as a Variant of Uncertain Significance. An algorithm developed to predict the effect of missense changes on protein structure and function (PolyPhen-2) suggests that this variant is likely to be tolerated. ClinVar contains an entry for this variant (Variation ID: 1470982). This variant has not been reported in the literature in individuals affected with RHOBTB2-related conditions. This variant is not present in population databases (gnomAD no frequency).